The following is an entry in ClinVar:

ClinVar aggregate classification (germline): Uncertain significance. Review status: criteria provided, multiple submitters, no conflicts (2 of 4 stars). 3 submissions from 3 submitters: Uncertain significance (3). Last evaluated 2025-04-21.

Conditions:
Hereditary cancer-predisposing syndrome. Also called: Hereditary Cancer Syndrome; Hereditary neoplastic syndrome; Tumor predisposition; Neoplastic Syndromes, Hereditary. Identifiers: Orphanet 140162, MedGen C0027672, MeSH D009386, MONDO:0015356.
Inflammatory skin and bowel disease, neonatal, 2 (NNCIS). Identifiers: Orphanet 294023, MedGen C4015130, MONDO:0014481, OMIM 616069.
Lung cancer. Also called: Malignant tumor of lung; Lung cancer, somatic. Identifiers: MedGen C0242379, MONDO:0008903, OMIM 211980.
EGFR-related lung cancer (EGFR). Identifiers: MedGen CN130014.

Allele frequency attached by ClinVar (database versions not stated): gnomAD exomes below 0.00001; gnomAD 0.00001; TOPMed 0.00003.
gnomAD v4.1: 2 of 1,614,100 alleles (0.00012%); highest among the groups gnomAD compares: African/African-American, 0.0027%; no homozygotes.

Submissions (3):

Ambry Genetics
Classification: Uncertain significance for Hereditary cancer-predisposing syndrome. Last evaluated: 2025-04-21. Review status: criteria provided, single submitter. Criteria: Ambry Variant Classification Scheme 2023. Collection method: clinical testing. Allele origin: germline.
Comment: The p.Q1159R variant (also known as c.3476A>G), located in coding exon 28 of the EGFR gene, results from an A to G substitution at nucleotide position 3476. The glutamine at codon 1159 is replaced by arginine, an amino acid with highly similar properties. This amino acid position is well conserved in available vertebrate species. In addition, this alteration is predicted to be tolerated by in silico analysis. Based on the available evidence, the clinical significance of this variant remains unclear.

Fulgent Genetics
Classification: Uncertain significance for Lung cancer; Inflammatory skin and bowel disease, neonatal, 2. Last evaluated: 2024-04-10. Review status: criteria provided, single submitter. Criteria: ACMG Guidelines, 2015. Collection method: clinical testing. Allele origin: germline.

Labcorp Genetics (formerly Invitae), Labcorp
Classification: Uncertain significance for EGFR-related lung cancer. Last evaluated: 2021-08-16. Review status: criteria provided, single submitter. Criteria: Invitae Variant Classification Sherloc (09022015). Collection method: clinical testing. Allele origin: germline.
Comment: This sequence change replaces glutamine with arginine at codon 1159 of the EGFR protein (p.Gln1159Arg). The glutamine residue is moderately conserved and there is a small physicochemical difference between glutamine and arginine. This variant is not present in population databases (ExAC no frequency). This variant has not been reported in the literature in individuals affected with EGFR-related conditions. Algorithms developed to predict the effect of missense changes on protein structure and function (SIFT, PolyPhen-2, Align-GVGD) all suggest that this variant is likely to be tolerated. In summary, the available evidence is currently insufficient to determine the role of this variant in disease. Therefore, it has been classified as a Variant of Uncertain Significance.

NM_005228.5(EGFR):c.3476A>G (p.Gln1159Arg)

Gene: EGFR (epidermal growth factor receptor; plus strand). Cytogenetic location: 7p11.2.
Variant type: single nucleotide variant.
Coding change: c.3476A>G on transcript NM_005228.5 (MANE Select); coding-DNA position 3476, A replaced by G.
Protein change: p.Gln1159Arg; replaces glutamine 1159 with arginine.
Molecular consequence: missense variant.
Genome position (GRCh38, 1-based): chr7:55,205,460, A>G. VCF-style: chr7-55205460-A-G. GRCh37 (hg19) VCF-style: chr7-55273153-A-G.
Other names: c.3341A>G, p.Gln1114Arg (NM_001346899.2); c.3317A>G, p.Gln1106Arg (NM_001346900.2); c.2675A>G, p.Gln892Arg (NM_001346941.2); c.3476A>G (NM_005228.3); short protein forms Q1159R, Q892R, Q1106R, Q1114R.
Identifiers: ClinVar variation 1398302 (VCV001398302.8), dbSNP rs1179392671, ClinGen allele CA367584702.